The following is an entry in ClinVar:

ClinVar aggregate classification (germline): Pathogenic. Review status: criteria provided, single submitter (1 of 4 stars). 2 submissions from 2 submitters: Pathogenic (1). 1 of the submissions does not count toward it. Last evaluated 2013-02-08.

Conditions:
Angelman syndrome (AS). Also called: HAPPY PUPPET SYNDROME. Identifiers: Orphanet 72, MedGen C0162635, MONDO:0007113, OMIM 105830. Disease mechanism: loss of function. Inheritance: AS is caused by disruption of maternally imprinted UBE3A located within the 15q11.2-q13 Angelman syndrome/Prader-Willi syndrome (AS/PWS) region., imprinting disorder.

Submissions (2):

Genetic Services Laboratory, University of Chicago
Classification: Pathogenic for Angelman syndrome. Last evaluated: 2013-02-08. Review status: criteria provided, single submitter. Criteria: ACMG Guidelines, 2007. Collection method: clinical testing. Allele origin: germline. Inheritance: Autosomal dominant inheritance. Affected: yes.

Baylor Genetics
Classification: Pathogenic for Angelman Syndrome. Last evaluated: 2014-02-14. Review status: no assertion criteria provided. Collection method: clinical testing. Allele origin: de novo. Affected: yes. Observed: 1 variant allele. Study: UBE3A Mutation Study. Not counted in ClinVar's aggregate classification.
Comment: Data collected from clinical UBE3A sequence analysis results

Literature cited by the submitters: PubMed 25212744 (cited by Baylor Genetics).

NM_130839.5(UBE3A):c.2463GAT[1] (p.Met822del)

Genes: SNHG14 (small nucleolar RNA host gene 14; plus strand), UBE3A (ubiquitin protein ligase E3A; minus strand). Cytogenetic location: 15q11.2.
Variant type: Microsatellite.
Coding change: c.2463GAT[1] on transcript NM_130839.5 (MANE Select); one copy of the 3-base unit GAT starting at c.2463; the reference has two copies in a row; one copy, 3 bases deleted.
Protein change: p.Met822del; deletes methionine 822.
Molecular consequence: inframe deletion. On other transcripts: non-coding transcript variant (1).
Genome position (GRCh38, 1-based): chr15:25,340,115-25,340,117, ATC deleted on the plus strand (GAT on the coding strand, the reverse complement: UBE3A is on the minus strand); deleting any 3 consecutive bases within chr15:25,340,115-25,340,120 gives the same sequence; the position shown is the placement nearest the transcript's 3' end. VCF-style (leftmost placement, unchanged base first): chr15-25340114-AATC-A. GRCh37 (hg19) VCF-style: chr15-25585261-AATC-A.
Other names: c.2472GAT[1], p.Met825del (NM_000462.5); c.2463GAT[1], p.Met822del (NM_001354505.1, NM_001354538.2); c.2403GAT[1], p.Met802del (NM_001354506.2, NM_001354507.2, NM_001354508.2 and 14 more transcripts); c.2307GAT[1], p.Met770del (NM_001354545.2); c.2286GAT[1], p.Met763del (NM_001354546.2); c.2247GAT[1], p.Met750del (NM_001354547.2, NM_001354548.2); c.2238GAT[1], p.Met747del (NM_001354549.2); c.1212GAT[1], p.Met405del (NM_001354550.2); and 1 more; short protein forms M802del, M405del, M747del, M385del, M750del, M763del, M770del, M822del.
Identifiers: ClinVar variation 155991 (VCV000155991.6), dbSNP rs587781238, ClinGen allele CA333381.
Genomic context (GRCh38, chr15:25,340,114, plus strand): 5'-GGTATACAGTCACAAGTTAATAATTACCTACCTTTCTGTGTCTGGGCCATTTTTGGCTAT[AATC>A]ATCTTTAATTTTCCTAGTCCTCCCACAGGTGCTCTGTCTGTGCCCGTTGTAAACTGCAAG-3'